The following is an entry in ClinVar:

NM_000138.5(FBN1):c.5285G>A (p.Gly1762Asp)

Gene: FBN1 (fibrillin 1; minus strand). Cytogenetic location: 15q21.1.
Variant type: single nucleotide variant.
Coding change: c.5285G>A on transcript NM_000138.5 (MANE Select); coding-DNA position 5285, G replaced by A.
Protein change: p.Gly1762Asp; replaces glycine 1762 with aspartic acid.
Molecular consequence: missense variant.
Genome position (GRCh38, 1-based): chr15:48,460,257, C>T on the plus strand (G>A on the coding strand, the complement: FBN1 is on the minus strand). VCF-style: chr15-48460257-C-T. GRCh37 (hg19) VCF-style: chr15-48752454-C-T.
Other names: c.5285G>A, p.Gly1762Asp (NM_001406716.1); short protein forms G1762D.
Identifiers: ClinVar variation 3067685 (VCV003067685.21), dbSNP rs1057524697, ClinGen allele CA392347972.
Genomic context (GRCh38, chr15:48,460,257, plus strand): 5'-ACACAAAGGCAAAAAACCAGAAAGTTCTGACAATGCCGTCATGACTCACCAACGGGTAAA[C>T]CGGTATAAATGTCGATGACAAAGCCTGGCCTTTGACTTCCACAGAGTGTAGCAAACTCAT-3'
Protein context (NP_000129.3, residues 1752-1772): RPGFVIDIYT[Gly1762Asp]LPVDIDECRE

ClinVar aggregate classification (germline): Uncertain significance (1 of 4 stars; one submission).

Submission:

CeGaT Center for Human Genetics Tuebingen
Classification: Uncertain significance. Last evaluated: 2024-03-01. Review status: criteria provided, single submitter. Criteria: CeGaT Center For Human Genetics Tuebingen Variant Classification Criteria Version 2. Collection method: clinical testing. Allele origin: germline. Affected: yes. Observed: 1 variant allele.
Comment: FBN1: PM2, PM5, PP3